The following is an entry in ClinVar:

ClinVar aggregate classification (germline): Uncertain significance. Review status: criteria provided, multiple submitters, no conflicts (2 of 4 stars). 2 submissions from 2 submitters: Uncertain significance (2). Last evaluated 2024-05-24.

Conditions:
Inborn genetic diseases. Identifiers: MedGen C0950123, MeSH D030342.
Congenital sideroblastic anemia-B-cell immunodeficiency-periodic fever-developmental delay syndrome. Also called: Sideroblastic anemia with B-cell immunodeficiency, periodic fevers, and developmental delay. Identifiers: Orphanet 369861, MedGen C4015172, MONDO:0014487, OMIM 616084.

Allele frequency attached by ClinVar (database versions not stated): gnomAD exomes below 0.00001; gnomAD 0.00001; TOPMed 0.00001.

Submissions (2):

Ambry Genetics
Classification: Uncertain significance for Inborn genetic diseases. Last evaluated: 2024-05-24. Review status: criteria provided, single submitter. Criteria: Ambry Variant Classification Scheme 2023. Collection method: clinical testing. Allele origin: germline.

Labcorp Genetics (formerly Invitae), Labcorp
Classification: Uncertain significance for Congenital sideroblastic anemia-B-cell immunodeficiency-periodic fever-developmental delay syndrome. Last evaluated: 2022-02-10. Review status: criteria provided, single submitter. Criteria: Invitae Variant Classification Sherloc (09022015). Collection method: clinical testing. Allele origin: germline.
Comment: This sequence change replaces methionine, which is neutral and non-polar, with valine, which is neutral and non-polar, at codon 100 of the TRNT1 protein (p.Met100Val). This variant is present in population databases (no rsID available, gnomAD 0.007%). This variant has not been reported in the literature in individuals affected with TRNT1-related conditions. Algorithms developed to predict the effect of missense changes on protein structure and function (SIFT, PolyPhen-2, Align-GVGD) all suggest that this variant is likely to be tolerated. Algorithms developed to predict the effect of sequence changes on RNA splicing suggest that this variant may create or strengthen a splice site. In summary, the available evidence is currently insufficient to determine the role of this variant in disease. Therefore, it has been classified as a Variant of Uncertain Significance.

NM_182916.3(TRNT1):c.298A>G (p.Met100Val)

Gene: TRNT1 (tRNA nucleotidyl transferase 1; plus strand). Cytogenetic location: 3p26.2.
Variant type: single nucleotide variant.
Coding change: c.298A>G on transcript NM_182916.3 (MANE Select); coding-DNA position 298, A replaced by G.
Protein change: p.Met100Val; replaces methionine 100 with valine.
Molecular consequence: missense variant. On other transcripts: non-coding transcript variant (8).
Genome position (GRCh38, 1-based): chr3:3,137,409, A>G. VCF-style: chr3-3137409-A-G. GRCh37 (hg19) VCF-style: chr3-3179093-A-G.
Other names: c.298A>G, p.Met100Val (NM_001302946.2, NM_001367321.1, NM_001367322.1 and 1 more transcripts); c.298A>G (NM_182916.2); short protein forms M100V.
Identifiers: ClinVar variation 1383133 (VCV001383133.6), dbSNP rs996280968, ClinGen allele CA68726822.